The following is an entry in ClinVar:

ClinVar aggregate classification (germline): Pathogenic (1 of 4 stars; one submission).

Conditions:
Breast-ovarian cancer, familial, susceptibility to, 1 (BROVCA1). Also called: BRCA1 Hereditary Breast and Ovarian Cancer; OVARIAN CANCER, SUSCEPTIBILITY TO. Identifiers: Orphanet 145, MedGen C2676676, MONDO:0011450, OMIM 604370. Disease mechanism: loss of function.

Submission:

Department of Medical Genetics, Oslo University Hospital
Classification: Pathogenic for Breast-ovarian cancer, familial, susceptibility to, 1. Last evaluated: 2015-07-01. Review status: criteria provided, single submitter. Criteria: ACMG Guidelines, 2015. Collection method: clinical testing. Allele origin: germline. Affected: yes. Observed: 29 variant alleles.
Comment: Heterozygous deletion of exon 21 (also known as exon 22)

NC_000017.11:g.(43047704_43049120)_(43049195_43051062)del

Gene: BRCA1 (BRCA1 DNA repair associated; minus strand). Cytogenetic location: 17q21.31.
Variant type: Deletion.
Identifiers: ClinVar variation 988773 (VCV000988773.1).